The following is an entry in ClinVar:

ClinVar aggregate classification (germline): Uncertain significance. Review status: criteria provided, multiple submitters, no conflicts (2 of 4 stars). 3 submissions from 3 submitters: Uncertain significance (3). Last evaluated 2025-03-17.

Conditions:
Inborn genetic diseases. Identifiers: MedGen C0950123, MeSH D030342.

Allele frequency attached by ClinVar (database versions not stated): ExAC 0.00002; TOPMed 0.00003; gnomAD 0.00004; gnomAD exomes 0.00005.
gnomAD v4.1: 76 of 1,614,238 alleles (0.0047%); highest among the groups gnomAD compares: Middle Eastern, 0.033%; no homozygotes.

Submissions (3):

Ambry Genetics
Classification: Uncertain significance for Inborn genetic diseases. Last evaluated: 2025-03-17. Review status: criteria provided, single submitter. Criteria: Ambry Variant Classification Scheme 2023. Collection method: clinical testing. Allele origin: germline.

Blueprint Genetics
Classification: Uncertain significance. Last evaluated: 2024-10-07. Review status: criteria provided, single submitter. Criteria: ACMG Guidelines, 2015. Collection method: clinical testing. Allele origin: germline.

Labcorp Genetics (formerly Invitae), Labcorp
Classification: Uncertain significance. Last evaluated: 2022-03-13. Review status: criteria provided, single submitter. Criteria: Invitae Variant Classification Sherloc (09022015). Collection method: clinical testing. Allele origin: germline.
Comment: This sequence change replaces arginine, which is basic and polar, with histidine, which is basic and polar, at codon 420 of the KLHL7 protein (p.Arg420His). This variant is present in population databases (rs755769078, gnomAD 0.01%). This variant has not been reported in the literature in individuals affected with KLHL7-related conditions. Algorithms developed to predict the effect of missense changes on protein structure and function (SIFT, PolyPhen-2, Align-GVGD) all suggest that this variant is likely to be disruptive. In summary, the available evidence is currently insufficient to determine the role of this variant in disease. Therefore, it has been classified as a Variant of Uncertain Significance.

NM_001031710.3(KLHL7):c.1259G>A (p.Arg420His)

Gene: KLHL7 (kelch like family member 7; plus strand). Cytogenetic location: 7p15.3.
Variant type: single nucleotide variant.
Coding change: c.1259G>A on transcript NM_001031710.3 (MANE Select); coding-DNA position 1259, G replaced by A.
Protein change: p.Arg420His; replaces arginine 420 with histidine.
Molecular consequence: missense variant. On other transcripts: non-coding transcript variant (1).
Genome position (GRCh38, 1-based): chr7:23,167,917, G>A. VCF-style: chr7-23167917-G-A. GRCh37 (hg19) VCF-style: chr7-23207536-G-A.
Other names: c.1115G>A, p.Arg372His (NM_018846.5); c.1259G>A (NM_001031710.2); short protein forms R420H, R372H.
Identifiers: ClinVar variation 1915367 (VCV001915367.7), dbSNP rs755769078, ClinGen allele CA4186580.